The following is an entry in ClinVar:

ClinVar aggregate classification (germline): Uncertain significance (1 of 4 stars; one submission).

gnomAD v4.1: 2 of 1,614,248 alleles (0.00012%); highest among the groups gnomAD compares: Admixed American, 0.0017%; no homozygotes.

Submission:

Labcorp Genetics (formerly Invitae), Labcorp
Classification: Uncertain significance. Last evaluated: 2024-12-29. Review status: criteria provided, single submitter. Criteria: Invitae Variant Classification Sherloc (09022015). Collection method: clinical testing. Allele origin: germline.
Comment: This sequence change replaces serine, which is neutral and polar, with threonine, which is neutral and polar, at codon 45 of the MYH9 protein (p.Ser45Thr). This variant is not present in population databases (gnomAD no frequency). This variant has not been reported in the literature in individuals affected with MYH9-related conditions. Invitae Evidence Modeling of protein sequence and biophysical properties (such as structural, functional, and spatial information, amino acid conservation, physicochemical variation, residue mobility, and thermodynamic stability) indicates that this missense variant is not expected to disrupt MYH9 protein function with a negative predictive value of 95%. In summary, the available evidence is currently insufficient to determine the role of this variant in disease. Therefore, it has been classified as a Variant of Uncertain Significance.

NM_002473.6(MYH9):c.134G>C (p.Ser45Thr)

Gene: MYH9 (myosin heavy chain 9; minus strand). Cytogenetic location: 22q12.3.
Variant type: single nucleotide variant.
Coding change: c.134G>C on transcript NM_002473.6 (MANE Select); coding-DNA position 134, G replaced by C.
Protein change: p.Ser45Thr; replaces serine 45 with threonine.
Molecular consequence: missense variant.
Genome position (GRCh38, 1-based): chr22:36,349,103, C>G on the plus strand (G>C on the coding strand, the complement: MYH9 is on the minus strand). VCF-style: chr22-36349103-C-G. GRCh37 (hg19) VCF-style: chr22-36745148-C-G.
Other names: short protein forms S45T.
Identifiers: ClinVar variation 3678189 (VCV003678189.2).